The following is an entry in ClinVar:

NM_001378454.1(ALMS1):c.11726T>C (p.Phe3909Ser)

Gene: ALMS1 (ALMS1 centrosome and basal body associated protein; plus strand). Cytogenetic location: 2p13.1.
Variant type: single nucleotide variant.
Coding change: c.11726T>C on transcript NM_001378454.1 (MANE Select); coding-DNA position 11726, T replaced by C.
Protein change: p.Phe3909Ser; replaces phenylalanine 3909 with serine.
Molecular consequence: missense variant.
Genome position (GRCh38, 1-based): chr2:73,600,735, T>C. VCF-style: chr2-73600735-T-C. GRCh37 (hg19) VCF-style: chr2-73827862-T-C.
Other names: c.11729T>C, p.Phe3910Ser (NM_015120.4); short protein forms F3910S, F3909S.
Identifiers: ClinVar variation 1999518 (VCV001999518.4), dbSNP rs2466520059, ClinGen allele CA347264288.

ClinVar aggregate classification (germline): Uncertain significance (1 of 4 stars; one submission).

Conditions:
Alstrom syndrome (ALMS). Identifiers: Orphanet 64, MedGen C0268425, MONDO:0008763, OMIM 203800.

Submission:

Labcorp Genetics (formerly Invitae), Labcorp
Classification: Uncertain significance for Alstrom syndrome. Last evaluated: 2022-05-28. Review status: criteria provided, single submitter. Criteria: Invitae Variant Classification Sherloc (09022015). Collection method: clinical testing. Allele origin: germline.
Comment: In summary, the available evidence is currently insufficient to determine the role of this variant in disease. Therefore, it has been classified as a Variant of Uncertain Significance. Experimental studies and prediction algorithms are not available or were not evaluated, and the functional significance of this variant is currently unknown. This variant has not been reported in the literature in individuals affected with ALMS1-related conditions. This variant is not present in population databases (gnomAD no frequency). This sequence change replaces phenylalanine, which is neutral and non-polar, with serine, which is neutral and polar, at codon 3910 of the ALMS1 protein (p.Phe3910Ser).